The following is an entry in ClinVar:

ClinVar aggregate classification (germline): Benign. Review status: criteria provided, multiple submitters, no conflicts (2 of 4 stars). 2 submissions from 2 submitters: Benign (2). Last evaluated 2026-02-01.

Conditions:
Familial thoracic aortic aneurysm and aortic dissection (TAAD). Also called: Thoracic aortic aneurysms and dissections. Identifiers: Orphanet 91387, MedGen C4707243, MONDO:0019625.

Submissions (2):

Labcorp Genetics (formerly Invitae), Labcorp
Classification: Benign for Familial thoracic aortic aneurysm and aortic dissection. Last evaluated: 2026-02-01. Review status: criteria provided, single submitter. Criteria: Invitae Variant Classification Sherloc (09022015). Collection method: clinical testing. Allele origin: germline.

Women's Health and Genetics/Laboratory Corporation of America, LabCorp
Classification: Benign. Last evaluated: 2024-07-01. Review status: criteria provided, single submitter. Criteria: LabCorp Variant Classification Summary - May 2015. Collection method: clinical testing. Allele origin: germline.
Comment: Variant summary: MAT2A c.768+13dupT alters a nucleotide located at a position not widely known to affect splicing. Consensus agreement among computation tools predict no significant impact on normal splicing. However, these predictions have yet to be confirmed by functional studies. The variant allele was found at a frequency of 1.1e-05 in 1608800 control chromosomes, predominantly at a frequency of 0.00033 within the East Asian subpopulation in the gnomAD database (v4). The observed variant frequency within East Asian control individuals in the gnomAD database is approximately 26 fold of the estimated maximal expected allele frequency for a pathogenic variant in MAT2A causing Thoracic Aortic Aneurysms And Dissections phenotype (1.3e-05). To our knowledge, no occurrence of c.768+13dupT in individuals affected with Thoracic Aortic Aneurysms And Dissections and no experimental evidence demonstrating its impact on protein function have been reported. No submitters have cited clinical-significance assessments for this variant to ClinVar. Based on the evidence outlined above, the variant was classified as benign.

NM_005911.6(MAT2A):c.768+13dup

Genes: GGCX (gamma-glutamyl carboxylase; minus strand), MAT2A (methionine adenosyltransferase 2A; plus strand). Cytogenetic location: 2p11.2.
Variant type: Duplication.
Coding change: c.768+13dup on transcript NM_005911.6 (MANE Select); 13 bases into the intron after coding-DNA position 768, one base duplicated (T; older notation c.768+13dupT).
Molecular consequence: intron variant.
Genome position (GRCh38, 1-based): chr2:85,542,386, T duplicated; the last of 4 consecutive T bases (chr2:85,542,383-85,542,386); duplicating any one gives the same sequence. VCF-style (leftmost placement, unchanged base first): chr2-85542382-A-AT. GRCh37 (hg19) VCF-style: chr2-85769505-A-AT.
Other names: c.768+13dupT (NM_005911.6).
Identifiers: ClinVar variation 3339241 (VCV003339241.3).